The following is an entry in ClinVar:

ClinVar aggregate classification (germline): Likely benign (1 of 4 stars; one submission).

gnomAD v4.1: 6 of 1,612,980 alleles (0.00037%); highest among the groups gnomAD compares: East Asian, 0.0045%; no homozygotes.

Submission:

CeGaT Center for Human Genetics Tuebingen
Classification: Likely benign. Last evaluated: 2022-05-01. Review status: criteria provided, single submitter. Criteria: CeGaT Center For Human Genetics Tuebingen Variant Classification Criteria Version 2. Collection method: clinical testing. Allele origin: germline. Affected: yes. Observed: 1 variant allele.
Comment: PTPN1: BP4

NM_002827.4(PTPN1):c.905C>T (p.Pro302Leu)

Gene: PTPN1 (protein tyrosine phosphatase non-receptor type 1; plus strand). Cytogenetic location: 20q13.13.
Variant type: single nucleotide variant.
Coding change: c.905C>T on transcript NM_002827.4 (MANE Select); coding-DNA position 905, C replaced by T.
Protein change: p.Pro302Leu; replaces proline 302 with leucine.
Molecular consequence: missense variant.
Genome position (GRCh38, 1-based): chr20:50,579,743, C>T. VCF-style: chr20-50579743-C-T. GRCh37 (hg19) VCF-style: chr20-49196280-C-T.
Other names: c.686C>T, p.Pro229Leu (NM_001278618.2); short protein forms P229L, P302L.
Identifiers: ClinVar variation 2652394 (VCV002652394.24), dbSNP rs749433251, ClinGen allele CA315205434.